The following is an entry in ClinVar:

NM_020806.5(GPHN):c.749G>T (p.Ser250Ile)

Gene: GPHN (gephyrin; plus strand). Cytogenetic location: 14q23.3.
Variant type: single nucleotide variant.
Coding change: c.749G>T on transcript NM_020806.5 (MANE Select); coding-DNA position 749, G replaced by T.
Protein change: p.Ser250Ile; replaces serine 250 with isoleucine.
Molecular consequence: missense variant. On other transcripts: intron variant (7).
Genome position (GRCh38, 1-based): chr14:66,924,213, G>T. VCF-style: chr14-66924213-G-T. GRCh37 (hg19) VCF-style: chr14-67390930-G-T.
Other names: c.768+1275G>T (NM_001377514.1, NM_001377519.1); c.729+1275G>T (NM_001377515.1, NM_001377516.1, NM_001377518.1 and 2 more transcripts); short protein forms S250I.
Identifiers: ClinVar variation 1303648 (VCV001303648.6), dbSNP rs1402811799, ClinGen allele CA390256639.

ClinVar aggregate classification (germline): Uncertain significance. Review status: criteria provided, multiple submitters, no conflicts (2 of 4 stars). 3 submissions from 3 submitters: Uncertain significance (3). Last evaluated 2025-10-23.

Conditions:
Sulfite oxidase deficiency due to molybdenum cofactor deficiency type C. Also called: Molybdenum cofactor deficiency, complementation group C; Molybdenum cofactor deficiency C. Identifiers: Orphanet 308400, Orphanet 833, MedGen C1854990, MONDO:0014212, OMIM 615501.
Inborn genetic diseases. Identifiers: MedGen C0950123, MeSH D030342.

Allele frequency attached by ClinVar (database versions not stated): gnomAD exomes below 0.00001.
gnomAD v4.1: 12 of 1,605,030 alleles (0.00075%); highest among the groups gnomAD compares: East Asian, 0.0022%; no homozygotes.

Submissions (3):

Ambry Genetics
Classification: Uncertain significance for Inborn genetic diseases. Last evaluated: 2025-10-23. Review status: criteria provided, single submitter. Criteria: Ambry Variant Classification Scheme 2023. Collection method: clinical testing. Allele origin: germline.

Labcorp Genetics (formerly Invitae), Labcorp
Classification: Uncertain significance for Sulfite oxidase deficiency due to molybdenum cofactor deficiency type C. Last evaluated: 2024-10-24. Review status: criteria provided, single submitter. Criteria: Invitae Variant Classification Sherloc (09022015). Collection method: clinical testing. Allele origin: germline.
Comment: This sequence change replaces serine, which is neutral and polar, with isoleucine, which is neutral and non-polar, at codon 250 of the GPHN protein (p.Ser250Ile). This variant is present in population databases (no rsID available, gnomAD 0.0009%). This variant has not been reported in the literature in individuals affected with GPHN-related conditions. ClinVar contains an entry for this variant (Variation ID: 1303648). An algorithm developed to predict the effect of missense changes on protein structure and function (PolyPhen-2) suggests that this variant is likely to be tolerated. In summary, the available evidence is currently insufficient to determine the role of this variant in disease. Therefore, it has been classified as a Variant of Uncertain Significance.

GeneDx
Classification: Uncertain significance. Last evaluated: 2020-12-11. Review status: criteria provided, single submitter. Criteria: GeneDx Variant Classification Process June 2021. Collection method: clinical testing. Allele origin: germline. Affected: yes.
Comment: Not observed at a significant frequency in large population cohorts (Lek et al., 2016); In silico analysis supports that this missense variant does not alter protein structure/function; Has not been previously published as pathogenic or benign to our knowledge